The following is an entry in ClinVar:

ClinVar aggregate classification (germline): Uncertain significance (1 of 4 stars; one submission).

Conditions:
Multiple congenital exostosis (EXT). Also called: Multiple osteochondromas; MULTIPLE CARTILAGINOUS EXOSTOSES; Hereditary multiple osteochondromas; Multiple exostoses; Hereditary multiple exostoses; Hereditary multiple exostosis. Identifiers: Orphanet 321, MedGen C0015306, MONDO:0005508, HP:0002762.

Submission:

Labcorp Genetics (formerly Invitae), Labcorp
Classification: Uncertain significance for Multiple congenital exostosis. Last evaluated: 2022-07-12. Review status: criteria provided, single submitter. Criteria: Invitae Variant Classification Sherloc (09022015). Collection method: clinical testing. Allele origin: germline.
Comment: Advanced modeling of protein sequence and biophysical properties (such as structural, functional, and spatial information, amino acid conservation, physicochemical variation, residue mobility, and thermodynamic stability) performed at Invitae indicates that this missense variant is expected to disrupt EXT1 protein function. In summary, the available evidence is currently insufficient to determine the role of this variant in disease. Therefore, it has been classified as a Variant of Uncertain Significance. This variant has not been reported in the literature in individuals affected with EXT1-related conditions. This sequence change replaces tyrosine, which is neutral and polar, with cysteine, which is neutral and slightly polar, at codon 553 of the EXT1 protein (p.Tyr553Cys). This variant is not present in population databases (gnomAD no frequency).

NM_000127.3(EXT1):c.1658A>G (p.Tyr553Cys)

Gene: EXT1 (exostosin glycosyltransferase 1; minus strand). Cytogenetic location: 8q24.11.
Variant type: single nucleotide variant.
Coding change: c.1658A>G on transcript NM_000127.3 (MANE Select); coding-DNA position 1658, A replaced by G.
Protein change: p.Tyr553Cys; replaces tyrosine 553 with cysteine.
Molecular consequence: missense variant.
Genome position (GRCh38, 1-based): chr8:117,812,936, T>C on the plus strand (A>G on the coding strand, the complement: EXT1 is on the minus strand). VCF-style: chr8-117812936-T-C. GRCh37 (hg19) VCF-style: chr8-118825175-T-C.
Other names: short protein forms Y553C.
Identifiers: ClinVar variation 2200787 (VCV002200787.4), dbSNP rs1823353137, ClinGen allele CA371881440.